The following is an entry in ClinVar:

NM_003902.5(FUBP1):c.730G>T (p.Val244Phe)

Gene: FUBP1 (far upstream element binding protein 1; minus strand). Cytogenetic location: 1p31.1.
Variant type: single nucleotide variant.
Coding change: c.730G>T on transcript NM_003902.5 (MANE Select); coding-DNA position 730, G replaced by T.
Protein change: p.Val244Phe; replaces valine 244 with phenylalanine.
Molecular consequence: missense variant. On other transcripts: non-coding transcript variant (5).
Genome position (GRCh38, 1-based): chr1:77,964,875, C>A on the plus strand (G>T on the coding strand, the complement: FUBP1 is on the minus strand). VCF-style: chr1-77964875-C-A. GRCh37 (hg19) VCF-style: chr1-78430560-C-A.
Other names: c.793G>T, p.Val265Phe (NM_001303433.2); c.790G>T, p.Val264Phe (NM_001376055.1, NM_001410804.1); c.727G>T, p.Val243Phe (NM_001376056.1, NM_001376057.1); short protein forms V243F, V244F, V264F, V265F.
Identifiers: ClinVar variation 3772546 (VCV003772546.13).

ClinVar aggregate classification (germline): Uncertain significance (1 of 4 stars; one submission).

Submission:

CeGaT Center for Human Genetics Tuebingen
Classification: Uncertain significance. Last evaluated: 2025-02-01. Review status: criteria provided, single submitter. Criteria: CeGaT Center For Human Genetics Tuebingen Variant Classification Criteria Version 2. Collection method: clinical testing. Allele origin: germline. Affected: yes. Observed: 1 variant allele.
Comment: FUBP1: PM2